The following is an entry in ClinVar:

ClinVar aggregate classification (germline): Conflicting classifications of pathogenicity. Review status: criteria provided, conflicting classifications (1 of 4 stars). 4 submissions from 4 submitters: Pathogenic (2); Uncertain significance (2). Last evaluated 2025-08-02.

Conditions:
Actin accumulation myopathy (CMYO2A). Also called: Myopathy, actin, congenital, with excess of thin myofilaments; CONGENITAL MYOPATHY 2A, TYPICAL, AUTOSOMAL DOMINANT; Nemaline myopathy type 3; Myopathy, actin, congenital, with cores; Nemaline myopathy 3, with intranuclear rods. Identifiers: Orphanet 98904, MedGen C3711389, MONDO:0008070, OMIM 161800.

Submissions (4):

GeneDx
Classification: Pathogenic. Last evaluated: 2025-08-02. Review status: criteria provided, single submitter. Criteria: GeneDx Variant Classification Process June 2021. Collection method: clinical testing. Allele origin: germline. Affected: yes.
Comment: Reported in a patient who requested nemaline myopathy testing, however specific clinical information is not available (PMID: 19562689); Not observed at significant frequency in large population cohorts (gnomAD); Missense variants in this gene are a common cause of disease and they are underrepresented in the general population; In silico analysis supports that this missense variant has a deleterious effect on protein structure/function; This variant is associated with the following publications: (PMID: 19562689)

Revvity Omics, Revvity
Classification: Uncertain significance. Last evaluated: 2025-07-30. Review status: criteria provided, single submitter. Criteria: ACMG Guidelines, 2015. Collection method: clinical testing. Allele origin: germline.

Labcorp Genetics (formerly Invitae), Labcorp
Classification: Uncertain significance for Actin accumulation myopathy. Last evaluated: 2022-08-30. Review status: criteria provided, single submitter. Criteria: Invitae Variant Classification Sherloc (09022015). Collection method: clinical testing. Allele origin: germline.
Comment: In summary, the available evidence is currently insufficient to determine the role of this variant in disease. Therefore, it has been classified as a Variant of Uncertain Significance. Advanced modeling of protein sequence and biophysical properties (such as structural, functional, and spatial information, amino acid conservation, physicochemical variation, residue mobility, and thermodynamic stability) performed at Invitae indicates that this missense variant is expected to disrupt ACTA1 protein function. ClinVar contains an entry for this variant (Variation ID: 807360). This variant is also known as p.Asp244Glu. This missense change has been observed in individual(s) with clinical features of ACTA1-related conditions (PMID: 19562689). This variant is not present in population databases (gnomAD no frequency). This sequence change replaces aspartic acid, which is acidic and polar, with glutamic acid, which is acidic and polar, at codon 246 of the ACTA1 protein (p.Asp246Glu).

Institute of Human Genetics Munich, TUM University Hospital
Classification: Pathogenic for Actin accumulation myopathy. Last evaluated: 2019-06-11. Review status: criteria provided, single submitter. Criteria: Classification criteria August 2017. Collection method: clinical testing. Allele origin: de novo. Inheritance: Autosomal dominant inheritance. Affected: yes. Observed: 1 heterozygote.

Literature cited by the submitters: PubMed 19562689 (cited by Labcorp Genetics (formerly Invitae), Labcorp).

NM_001100.4(ACTA1):c.738C>A (p.Asp246Glu)

Gene: ACTA1 (actin alpha 1, skeletal muscle; minus strand). Cytogenetic location: 1q42.13.
Variant type: single nucleotide variant.
Coding change: c.738C>A on transcript NM_001100.4 (MANE Select); coding-DNA position 738, C replaced by A.
Protein change: p.Asp246Glu; replaces aspartic acid 246 with glutamic acid.
Molecular consequence: missense variant.
Genome position (GRCh38, 1-based): chr1:229,432,064, G>T on the plus strand (C>A on the coding strand, the complement: ACTA1 is on the minus strand). VCF-style: chr1-229432064-G-T. GRCh37 (hg19) VCF-style: chr1-229567811-G-T.
Other names: c.738C>A (NM_001100.3); short protein forms D246E.
Identifiers: ClinVar variation 807360 (VCV000807360.12), dbSNP rs748592740, ClinGen allele CA345146761.
Genomic context (GRCh38, chr1:229,432,064, plus strand): 5'-GGGCTGGAAGAGCGTCTCCGGGCAGCGGAAGCGCTCGTTGCCGATGGTGATGACCTGCCC[G>T]TCTGGCAGCTCGTAGCTCTTTTCCAGGGAGGAGGAGGAGGCGGCCGTCGCCATCTCGTTC-3'
Protein context (NP_001091.1, residues 236-256): SSLEKSYELP[Asp246Glu]GQVITIGNER